The following is an entry in ClinVar:

ClinVar aggregate classification (germline): Uncertain significance. Review status: criteria provided, multiple submitters, no conflicts (2 of 4 stars). 2 submissions from 2 submitters: Uncertain significance (2). Last evaluated 2025-09-10.

Conditions:
Inborn genetic diseases. Identifiers: MedGen C0950123, MeSH D030342.

Allele frequency attached by ClinVar (database versions not stated): gnomAD exomes below 0.00001; TOPMed 0.00002.
gnomAD v4.1: 1 of 1,608,898 alleles (0.000062%); highest among the groups gnomAD compares: African/African-American, 0.0013%; no homozygotes.

Submissions (2):

Ambry Genetics
Classification: Uncertain significance for Inborn genetic diseases. Last evaluated: 2025-09-10. Review status: criteria provided, single submitter. Criteria: Ambry Variant Classification Scheme 2023. Collection method: clinical testing. Allele origin: germline.

Labcorp Genetics (formerly Invitae), Labcorp
Classification: Uncertain significance. Last evaluated: 2022-06-15. Review status: criteria provided, single submitter. Criteria: Invitae Variant Classification Sherloc (09022015). Collection method: clinical testing. Allele origin: germline.
Comment: In summary, the available evidence is currently insufficient to determine the role of this variant in disease. Therefore, it has been classified as a Variant of Uncertain Significance. Algorithms developed to predict the effect of missense changes on protein structure and function are either unavailable or do not agree on the potential impact of this missense change (SIFT: "Deleterious"; PolyPhen-2: "Possibly Damaging"; Align-GVGD: "Class C0"). This variant has not been reported in the literature in individuals affected with ASPM-related conditions. This variant is not present in population databases (gnomAD no frequency). This sequence change replaces leucine, which is neutral and non-polar, with serine, which is neutral and polar, at codon 2952 of the ASPM protein (p.Leu2952Ser).

NM_018136.5(ASPM):c.8855T>C (p.Leu2952Ser)

Gene: ASPM (assembly factor for spindle microtubules; minus strand). Cytogenetic location: 1q31.3.
Variant type: single nucleotide variant.
Coding change: c.8855T>C on transcript NM_018136.5 (MANE Select); coding-DNA position 8855, T replaced by C.
Protein change: p.Leu2952Ser; replaces leucine 2952 with serine.
Molecular consequence: missense variant.
Genome position (GRCh38, 1-based): chr1:197,096,130, A>G on the plus strand (T>C on the coding strand, the complement: ASPM is on the minus strand). VCF-style: chr1-197096130-A-G. GRCh37 (hg19) VCF-style: chr1-197065260-A-G.
Other names: c.8855T>C (NM_018136.4); c.4100T>C, p.Leu1367Ser (NM_001206846.2); short protein forms L2952S, L1367S.
Identifiers: ClinVar variation 2094526 (VCV002094526.5), dbSNP rs1656966478, ClinGen allele CA344009511.